The following is an entry in ClinVar:

NM_152743.4(BRAT1):c.2228C>A (p.Pro743His)

Gene: BRAT1 (BRCA1 associated ATM activator 1; minus strand). Cytogenetic location: 7p22.3.
Variant type: single nucleotide variant.
Coding change: c.2228C>A on transcript NM_152743.4 (MANE Select); coding-DNA position 2228, C replaced by A.
Protein change: p.Pro743His; replaces proline 743 with histidine.
Molecular consequence: missense variant. On other transcripts: non-coding transcript variant (1).
Genome position (GRCh38, 1-based): chr7:2,538,307, G>T on the plus strand (C>A on the coding strand, the complement: BRAT1 is on the minus strand). VCF-style: chr7-2538307-G-T. GRCh37 (hg19) VCF-style: chr7-2577941-G-T.
Other names: c.2408C>A, p.Pro803His (NM_001350626.2); c.1703C>A, p.Pro568His (NM_001350627.2); short protein forms P803H, P568H, P743H.
Identifiers: ClinVar variation 864806 (VCV000864806.8), dbSNP rs148661872, ClinGen allele CA4127425.

ClinVar aggregate classification (germline): Uncertain significance. Review status: criteria provided, multiple submitters, no conflicts (2 of 4 stars). 2 submissions from 2 submitters: Uncertain significance (2). Last evaluated 2023-12-04.

Conditions:
Neurodevelopmental disorder with cerebellar atrophy and with or without seizures. Identifiers: MedGen C4748032, MONDO:0020841, OMIM 618056.
Neonatal-onset encephalopathy with rigidity and seizures. Also called: Lethal neonatal spasticity-epileptic encephalopathy syndrome. Identifiers: Orphanet 435845, MedGen C3281029, MONDO:0013784, OMIM 614498.

Allele frequency attached by ClinVar (database versions not stated): TOPMed below 0.00001; gnomAD exomes 0.00002; ExAC 0.00003; gnomAD 0.00003; ESP Exome Variant Server 0.00008.

Submissions (2):

Labcorp Genetics (formerly Invitae), Labcorp
Classification: Uncertain significance for Neonatal-onset encephalopathy with rigidity and seizures. Last evaluated: 2023-12-04. Review status: criteria provided, single submitter. Criteria: Invitae Variant Classification Sherloc (09022015). Collection method: clinical testing. Allele origin: germline.
Comment: This sequence change replaces proline, which is neutral and non-polar, with histidine, which is basic and polar, at codon 743 of the BRAT1 protein (p.Pro743His). This variant is present in population databases (rs148661872, gnomAD 0.006%). This variant has not been reported in the literature in individuals affected with BRAT1-related conditions. ClinVar contains an entry for this variant (Variation ID: 864806). Advanced modeling of protein sequence and biophysical properties (such as structural, functional, and spatial information, amino acid conservation, physicochemical variation, residue mobility, and thermodynamic stability) performed at Invitae indicates that this missense variant is not expected to disrupt BRAT1 protein function with a negative predictive value of 80%. In summary, the available evidence is currently insufficient to determine the role of this variant in disease. Therefore, it has been classified as a Variant of Uncertain Significance.

New York Genome Center
Classification: Uncertain significance for Neurodevelopmental disorder with cerebellar atrophy and with or without seizures. Last evaluated: 2021-06-04. Review status: criteria provided, single submitter. Criteria: NYGC Assertion Criteria 2020. Collection method: clinical testing. Allele origin: inherited. Observed: 1 heterozygote. Study: CSER-NYCKidSeq.